The following is an entry in ClinVar:

NM_001308093.3(GATA4):c.610A>G (p.Asn204Asp)

Gene: GATA4 (GATA binding protein 4). Cytogenetic location: 8p23.1.
Variant type: single nucleotide variant.
Coding change: c.610A>G on transcript NM_001308093.3 (MANE Select); coding-DNA position 610, A replaced by G.
Protein change: p.Asn204Asp; replaces asparagine 204 with aspartic acid.
Molecular consequence: missense variant. On other transcripts: intron variant (3).
Genome position (GRCh38, 1-based): chr8:11,708,922, A>G. VCF-style: chr8-11708922-A-G. GRCh37 (hg19) VCF-style: chr8-11566431-A-G.
Other names: c.610A>G, p.Asn204Asp (NM_002052.5); c.-6+8144A>G (NM_001308094.2); c.-3+908A>G (NM_001374274.1); c.-3+4618A>G (NM_001374273.1); short protein forms N204D.
Identifiers: ClinVar variation 3664492 (VCV003664492.2).

ClinVar aggregate classification (germline): Uncertain significance (1 of 4 stars; one submission).

Conditions:
Atrioventricular septal defect 4 (AVSD4). Identifiers: MedGen C3280781, MONDO:0013747, OMIM 614430.

Submission:

Labcorp Genetics (formerly Invitae), Labcorp
Classification: Uncertain significance for Atrioventricular septal defect 4. Last evaluated: 2024-09-06. Review status: criteria provided, single submitter. Criteria: Invitae Variant Classification Sherloc (09022015). Collection method: clinical testing. Allele origin: germline.
Comment: This sequence change replaces asparagine, which is neutral and polar, with aspartic acid, which is acidic and polar, at codon 204 of the GATA4 protein (p.Asn204Asp). This variant is not present in population databases (gnomAD no frequency). This variant has not been reported in the literature in individuals affected with GATA4-related conditions. Invitae Evidence Modeling of protein sequence and biophysical properties (such as structural, functional, and spatial information, amino acid conservation, physicochemical variation, residue mobility, and thermodynamic stability) indicates that this missense variant is not expected to disrupt GATA4 protein function with a negative predictive value of 80%. In summary, the available evidence is currently insufficient to determine the role of this variant in disease. Therefore, it has been classified as a Variant of Uncertain Significance.